The following is an entry in ClinVar:

NM_004004.6(GJB2):c.176G>T (p.Gly59Val)

Gene: GJB2 (gap junction protein beta 2; minus strand). Cytogenetic location: 13q12.11.
Variant type: single nucleotide variant.
Coding change: c.176G>T on transcript NM_004004.6 (MANE Select); coding-DNA position 176, G replaced by T.
Protein change: p.Gly59Val; replaces glycine 59 with valine.
Molecular consequence: missense variant.
Genome position (GRCh38, 1-based): chr13:20,189,406, C>A on the plus strand (G>T on the coding strand, the complement: GJB2 is on the minus strand). VCF-style: chr13-20189406-C-A. GRCh37 (hg19) VCF-style: chr13-20763545-C-A.
Other names: c.176G>T (NM_004004.5); short protein forms G59V.
Identifiers: ClinVar variation 1507837 (VCV001507837.9), dbSNP rs104894404, ClinGen allele CA387461699.

ClinVar aggregate classification (germline): Pathogenic/Likely pathogenic. Review status: criteria provided, multiple submitters, no conflicts (2 of 4 stars). 2 submissions from 2 submitters: Pathogenic (1); Likely pathogenic (1). Last evaluated 2025-07-08.

Submissions (2):

Labcorp Genetics (formerly Invitae), Labcorp
Classification: Likely pathogenic. Last evaluated: 2025-07-08. Review status: criteria provided, single submitter. Criteria: Invitae Variant Classification Sherloc (09022015). Collection method: clinical testing. Allele origin: germline.
Comment: This sequence change replaces glycine, which is neutral and non-polar, with valine, which is neutral and non-polar, at codon 59 of the GJB2 protein (p.Gly59Val). This variant is not present in population databases (gnomAD no frequency). This missense change has been observed in individual(s) with autosomal dominant deafness (PMID: 15146474, 17671735; internal data). This variant is also known as c.177G>T. ClinVar contains an entry for this variant (Variation ID: 1507837). Invitae Evidence Modeling of protein sequence and biophysical properties (such as structural, functional, and spatial information, amino acid conservation, physicochemical variation, residue mobility, and thermodynamic stability) indicates that this missense variant is expected to disrupt GJB2 protein function with a positive predictive value of 95%. Experimental studies have shown that this missense change affects GJB2 function (PMID: 16300957). This variant disrupts the p.Gly59 amino acid residue in GJB2. Other variant(s) that disrupt this residue have been determined to be pathogenic for autosomal dominant GJB2-related conditions (PMID: 10633135, 15952212, 17106596, 30565282). This suggests that this residue is clinically significant, and that variants that disrupt this residue are likely to be disease-causing. In summary, the currently available evidence indicates that the variant is pathogenic, but additional data are needed to prove that conclusively. Therefore, this variant has been classified as Likely Pathogenic.

GeneDx
Classification: Pathogenic. Last evaluated: 2023-11-16. Review status: criteria provided, single submitter. Criteria: GeneDx Variant Classification Process June 2021. Collection method: clinical testing. Allele origin: germline. Affected: yes.
Comment: Published functional studies demonstrate a damaging effect on channel function by reducing channel activation (PMID: 16300957); Not observed at significant frequency in large population cohorts (gnomAD); In silico analysis supports that this missense variant has a deleterious effect on protein structure/function; This variant is associated with the following publications: (PMID: 25388846, 15146474, 16300957)

Literature cited by the submitters: PubMed 15146474 (cited by Labcorp Genetics (formerly Invitae), Labcorp); PubMed 17671735 (cited by Labcorp Genetics (formerly Invitae), Labcorp); PubMed 16300957 (cited by Labcorp Genetics (formerly Invitae), Labcorp); PubMed 10633135 (cited by Labcorp Genetics (formerly Invitae), Labcorp); PubMed 15952212 (cited by Labcorp Genetics (formerly Invitae), Labcorp); PubMed 17106596 (cited by Labcorp Genetics (formerly Invitae), Labcorp); PubMed 30565282 (cited by Labcorp Genetics (formerly Invitae), Labcorp).